The following is an entry in ClinVar:

ClinVar aggregate classification (germline): Benign/Likely benign. Review status: criteria provided, multiple submitters, no conflicts (2 of 4 stars). 10 submissions from 10 submitters: Benign (5); Likely benign (4). 1 of the submissions does not count toward it. Last evaluated 2026-02-01.

Conditions:
Idiopathic basal ganglia calcification 1 (PFBC1A). Also called: Familial Idiopathic Basal Ganglia Calcification 3; Primary Familial Brain Calcification; Familial Idiopathic Basal Ganglia Calcification 2; Fahr's syndrome; PRIMARY FAMILIAL BRAIN CALCIFICATION 1A, AUTOSOMAL DOMINANT; Cerebral calcification nonarteriosclerotic idiopathic adult-onset. Identifiers: Orphanet 1980, MedGen C4551624, MONDO:0024538, OMIM 213600.

Allele frequency attached by ClinVar (database versions not stated): 1000 Genomes Project 0.00300; gnomAD exomes 0.00335 and 0.00341; ESP Exome Variant Server 0.00423; gnomAD 0.00450 and 0.00456; TOPMed 0.00478; 1000 Genomes Project 30x 0.00328; ExAC 0.00378.
gnomAD v4.1: 5,640 of 1,613,452 alleles (0.35%); highest among the groups gnomAD compares: African/African-American, 0.69%; 16 homozygotes.

Submissions (10):

CeGaT Center for Human Genetics Tuebingen
Classification: Likely benign. Last evaluated: 2026-02-01. Review status: criteria provided, single submitter. Criteria: CeGaT Center For Human Genetics Tuebingen Variant Classification Criteria Version 2. Collection method: clinical testing. Allele origin: germline. Affected: yes. Observed: 5 variant alleles.
Comment: SLC20A2: BP4, BP7, BS2

Labcorp Genetics (formerly Invitae), Labcorp
Classification: Benign. Last evaluated: 2026-01-23. Review status: criteria provided, single submitter. Criteria: Invitae Variant Classification Sherloc (09022015). Collection method: clinical testing. Allele origin: germline.

Blueprint Genetics
Classification: Likely benign. Last evaluated: 2024-11-25. Review status: criteria provided, single submitter. Criteria: ACMG Guidelines, 2015. Collection method: clinical testing. Allele origin: germline.

Mayo Clinic Laboratories, Mayo Clinic
Classification: Benign. Last evaluated: 2023-02-10. Review status: criteria provided, single submitter. Criteria: ACMG Guidelines, 2015. Collection method: clinical testing. Allele origin: germline. Observed: 8 variant alleles.
Comment: BS1, BS2, BP4, BP7

GeneDx
Classification: Benign. Last evaluated: 2019-02-21. Review status: criteria provided, single submitter. Criteria: GeneDx Variant Classification Process June 2021. Collection method: clinical testing. Allele origin: germline. Affected: yes.

Illumina Laboratory Services, Illumina
Classification: Benign for Idiopathic basal ganglia calcification 1. Last evaluated: 2018-01-12. Review status: criteria provided, single submitter. Criteria: ICSL Variant Classification Criteria 13 December 2019. Collection method: clinical testing. Allele origin: germline.
Comment: This variant was observed in the ICSL laboratory as part of a predisposition screen in an ostensibly healthy population. It had not been previously curated by ICSL or reported in the Human Gene Mutation Database (HGMD: prior to June 1st, 2018), and was therefore a candidate for classification through an automated scoring system. Utilizing variant allele frequency, disease prevalence and penetrance estimates, and inheritance mode, an automated score was calculated to assess if this variant is too frequent to cause the disease. Based on the score and internal cut-off values, a variant classified as benign is not then subjected to further curation. The score for this variant resulted in a classification of benign for this disease.

Clinical Genetics DNA and cytogenetics Diagnostics Lab, Erasmus MC, Erasmus Medical Center
Classification: Likely benign for Idiopathic basal ganglia calcification 1. Last evaluated: 2017-06-28. Review status: criteria provided, single submitter. Criteria: ACGS Guidelines, 2013. Collection method: clinical testing. Allele origin: germline. Affected: yes. Study: VKGL Data-share Consensus.

Eurofins Ntd Llc (ga)
Classification: Benign. Last evaluated: 2015-11-17. Review status: criteria provided, single submitter. Criteria: EGL Classification Definitions 2015. Collection method: clinical testing. Allele origin: germline. Observed: 1 variant allele, 1 heterozygote.

Breakthrough Genomics
Classification: Likely benign. Review status: criteria provided, single submitter. Criteria: ACMG Guidelines, 2015. Collection method: not provided. Allele origin: germline. Inheritance: Autosomal dominant inheritance. Affected: yes.

Genome Diagnostics Laboratory, Amsterdam University Medical Center
Classification: Likely benign for Idiopathic basal ganglia calcification 1. Last evaluated: 2016-04-17. Review status: no assertion criteria provided. Criteria: ACGS Guidelines, 2013. Collection method: clinical testing. Allele origin: germline. Affected: yes. Study: VKGL Data-share Consensus. Not counted in ClinVar's aggregate classification.

NM_001257180.2(SLC20A2):c.1812C>T (p.Ala604=)

Gene: SLC20A2 (solute carrier family 20 member 2; minus strand). Cytogenetic location: 8p11.21.
Variant type: single nucleotide variant.
Coding change: c.1812C>T on transcript NM_001257180.2 (MANE Select); coding-DNA position 1812, C replaced by T.
Protein change: p.Ala604=; no amino-acid change (alanine 604 retained).
Molecular consequence: synonymous variant.
Genome position (GRCh38, 1-based): chr8:42,417,950, G>A on the plus strand (C>T on the coding strand, the complement: SLC20A2 is on the minus strand). VCF-style: chr8-42417950-G-A. GRCh37 (hg19) VCF-style: chr8-42275468-G-A.
Other names: p.Ala604=; c.1812C>T, p.Ala604= (NM_001257181.2, NM_006749.5).
Identifiers: ClinVar variation 284842 (VCV000284842.31), dbSNP rs116401889, ClinGen allele CA4733191.